The following is an entry in ClinVar:

ClinVar aggregate classification (germline): Uncertain significance. Review status: criteria provided, multiple submitters, no conflicts (2 of 4 stars). 2 submissions from 2 submitters: Uncertain significance (2). Last evaluated 2025-05-04.

Conditions:
Inborn genetic diseases. Identifiers: MedGen C0950123, MeSH D030342.

gnomAD v4.1: 1 of 1,594,326 alleles (0.000063%); highest among the groups gnomAD compares: Non-Finnish European, 0.000085%; no homozygotes.

Submissions (2):

GeneDx
Classification: Uncertain significance. Last evaluated: 2025-05-04. Review status: criteria provided, single submitter. Criteria: GeneDx Variant Classification Process June 2021. Collection method: clinical testing. Allele origin: germline. Affected: yes.
Comment: Not observed at significant frequency in large population cohorts (gnomAD); In silico analysis suggests that this missense variant does not alter protein structure/function; Has not been previously published as pathogenic or benign to our knowledge

Ambry Genetics
Classification: Uncertain significance for Inborn genetic diseases. Last evaluated: 2024-12-19. Review status: criteria provided, single submitter. Criteria: Ambry Variant Classification Scheme 2023. Collection method: clinical testing. Allele origin: germline.
Comment: The p.S1192F variant (also known as c.3575C>T), located in coding exon 16 of the MECOM gene, results from a C to T substitution at nucleotide position 3575. The serine at codon 1192 is replaced by phenylalanine, an amino acid with highly dissimilar properties. This amino acid position is conserved. In addition, the in silico prediction for this alteration is inconclusive. Based on the available evidence, the clinical significance of this variant remains unclear.

NM_004991.4(MECOM):c.3575C>T (p.Ser1192Phe)

Gene: MECOM (MDS1 and EVI1 complex locus; minus strand). Cytogenetic location: 3q26.2.
Variant type: single nucleotide variant.
Coding change: c.3575C>T on transcript NM_004991.4 (MANE Select); coding-DNA position 3575, C replaced by T.
Protein change: p.Ser1192Phe; replaces serine 1192 with phenylalanine.
Molecular consequence: missense variant.
Genome position (GRCh38, 1-based): chr3:169,089,010, G>A on the plus strand (C>T on the coding strand, the complement: MECOM is on the minus strand). VCF-style: chr3-169089010-G-A. GRCh37 (hg19) VCF-style: chr3-168806798-G-A.
Other names: c.3206C>T, p.Ser1069Phe (NM_001105077.4); c.3011C>T, p.Ser1004Phe (NM_001105078.4, NM_001205194.2, NM_001366469.2 and 1 more transcripts); c.2987C>T, p.Ser996Phe (NM_001163999.2, NM_001366470.2); c.2984C>T, p.Ser995Phe (NM_001164000.2, NM_001366471.2, NM_001366472.2); c.3548C>T, p.Ser1183Phe (NM_001366466.2); c.3014C>T, p.Ser1005Phe (NM_001366467.2, NM_001366468.2); c.2576C>T, p.Ser859Phe (NM_001366473.2); c.2012C>T, p.Ser671Phe (NM_001366474.2); and 1 more; short protein forms S1004F, S1005F, S1192F, S859F, S996F, S1069F, S1183F, S671F.
Identifiers: ClinVar variation 3394392 (VCV003394392.3).
Genomic context (GRCh38, chr3:169,089,010, plus strand): 5'-CGTTTCATGCATAATGTAACCATGATGCTGTACTATGGGAAAATCTGTACCTGCGATTTG[G>A]ACTTTCTGTGTAACGGCTGCTTAAGTTCCTCTGGCACATGGGAAGTACTAAAAGAAGACA-3'
Protein context (NP_004982.2, residues 1182-1202): EELKQPLHRK[Ser1192Phe]KSQAYAMMLS